The following is an entry in ClinVar:

NM_015599.3(PGM3):c.1198_1202dup (p.Ala402fs)

Gene: PGM3 (phosphoglucomutase 3; minus strand). Cytogenetic location: 6q14.1.
Variant type: Duplication.
Coding change: c.1198_1202dup on transcript NM_015599.3 (MANE Select); coding-DNA positions 1198 to 1202, 5 bases duplicated (AAAGC; older notation c.1198_1202dupAAAGC).
Protein change: p.Ala402fs; shifts the reading frame from alanine 402.
Molecular consequence: frameshift variant. On other transcripts: non-coding transcript variant (1).
Genome position (GRCh38, 1-based): chr6:83,174,414-83,174,418, GCTTT duplicated on the plus strand (AAAGC on the coding strand, the reverse complement: PGM3 is on the minus strand). VCF-style (leftmost placement, unchanged base first): chr6-83174413-A-AGCTTT. GRCh37 (hg19) VCF-style: chr6-83884132-A-AGCTTT.
Other names: c.1282_1286dup, p.Ala430fs (NM_001199917.2, NM_001367287.1); c.955_959dup, p.Ala321fs (NM_001199918.2); c.1198_1202dup, p.Ala402fs (NM_001199919.2, NM_001367286.1); short protein forms A402fs, A430fs, A321fs.
Identifiers: ClinVar variation 3019667 (VCV003019667.3), dbSNP rs1452031238, ClinGen allele CA568299120.

ClinVar aggregate classification (germline): Pathogenic (1 of 4 stars; one submission).

Conditions:
Immunodeficiency 23 (IMD23). Also called: IMMUNODEFICIENCY WITH HYPER IgE AND COGNITIVE IMPAIRMENT; IMMUNODEFICIENCY-VASCULITIS-MYOCLONUS SYNDROME. Identifiers: Orphanet 443811, MedGen C4014371, MONDO:0014353, OMIM 615816.

Allele frequency attached by ClinVar (database versions not stated): gnomAD exomes below 0.00001.

Submission:

Labcorp Genetics (formerly Invitae), Labcorp
Classification: Pathogenic for Immunodeficiency 23. Last evaluated: 2025-12-14. Review status: criteria provided, single submitter. Criteria: Invitae Variant Classification Sherloc (09022015). Collection method: clinical testing. Allele origin: germline.
Comment: This sequence change creates a premature translational stop signal (p.Ala430Lysfs*26) in the PGM3 gene. It is expected to result in an absent or disrupted protein product. Loss-of-function variants in PGM3 are known to be pathogenic (PMID: 17548465, 24589341, 24931394). This variant is present in population databases (no rsID available, gnomAD 0.003%). This variant has not been reported in the literature in individuals affected with PGM3-related conditions. ClinVar contains an entry for this variant (Variation ID: 3019667). For these reasons, this variant has been classified as Pathogenic.

Literature cited by the submitters: PubMed 17548465; PubMed 24589341; PubMed 24931394.